The following is an entry in ClinVar:

NM_000135.4(FANCA):c.709+1G>C

Gene: FANCA (FA complementation group A; minus strand). Cytogenetic location: 16q24.3.
Variant type: single nucleotide variant.
Coding change: c.709+1G>C on transcript NM_000135.4 (MANE Select); the canonical splice donor site of the intron after coding-DNA position 709, G replaced by C.
Molecular consequence: splice donor variant.
Genome position (GRCh38, 1-based): chr16:89,805,279, C>G on the plus strand (G>C on the coding strand, the complement: FANCA is on the minus strand). VCF-style: chr16-89805279-C-G. GRCh37 (hg19) VCF-style: chr16-89871687-C-G.
Other names: c.709+1G>C (NM_001286167.3, NM_001018112.3); c.613+1G>C (NM_001351830.2).
Identifiers: ClinVar variation 423994 (VCV000423994.11), dbSNP rs753211631, ClinGen allele CA16620313.
Genomic context (GRCh38, chr16:89,805,279, plus strand): 5'-AGGCATTATCACAGATCAAAATGAGTTTTACCCAAGAACCCGCATCTTGTCATGAACGCA[C>G]CAGAAAGCATGGCCCTGGCGACGTCAGCATGCTGGCAGGATGCTTCCATCTGTTCACAAA-3'

ClinVar aggregate classification (germline): Pathogenic/Likely pathogenic. Review status: criteria provided, multiple submitters, no conflicts (2 of 4 stars). 2 submissions from 2 submitters: Pathogenic (1); Likely pathogenic (1). Last evaluated 2025-10-18.

Conditions:
Fanconi anemia (FA). Also called: Fanconi's anemia. Identifiers: Orphanet 84, MedGen C0015625, MeSH D005199, MONDO:0019391.

gnomAD v4.1: 1 of 1,612,356 alleles (0.000062%); highest among the groups gnomAD compares: Admixed American, 0.0017%; no homozygotes.

Submissions (2):

Labcorp Genetics (formerly Invitae), Labcorp
Classification: Pathogenic for Fanconi anemia. Last evaluated: 2025-10-18. Review status: criteria provided, single submitter. Criteria: Invitae Variant Classification Sherloc (09022015). Collection method: clinical testing. Allele origin: germline.
Comment: This sequence change affects a donor splice site in intron 7 of the FANCA gene. It is expected to disrupt RNA splicing. Variants that disrupt the donor or acceptor splice site typically lead to a loss of protein function (PMID: 16199547), and loss-of-function variants in FANCA are known to be pathogenic (PMID: 19367192). This variant is present in population databases (no rsID available, gnomAD 0.003%). Disruption of this splice site has been observed in individual(s) with Fanconi anemia (PMID: 9371798, 24584348). In at least one individual the data is consistent with being in trans (on the opposite chromosome) from a pathogenic variant. ClinVar contains an entry for this variant (Variation ID: 423994). Algorithms developed to predict the effect of sequence changes on RNA splicing suggest that this variant may disrupt the consensus splice site. For these reasons, this variant has been classified as Pathogenic.

GeneDx
Classification: Likely pathogenic. Last evaluated: 2020-02-04. Review status: criteria provided, single submitter. Criteria: GeneDx Variant Classification Process June 2021. Collection method: clinical testing. Allele origin: germline. Affected: yes.
Comment: Canonical splice site variant predicted to result in a null allele in a gene for which loss-of-function is a known mechanism of disease; Not observed at a significant frequency in large population cohorts (Lek 2016); Observed in an individual with a personal history including intraductal papillary mucinous neoplasm, reported using genomic nomenclature g.chr16:89871687C>G (Skaro 2019); This variant is associated with the following publications: (PMID: 30716324, 26740942, 24584348)

Literature cited by the submitters: PubMed 16199547 (cited by Labcorp Genetics (formerly Invitae), Labcorp); PubMed 19367192 (cited by Labcorp Genetics (formerly Invitae), Labcorp); PubMed 9371798 (cited by Labcorp Genetics (formerly Invitae), Labcorp); PubMed 24584348 (cited by Labcorp Genetics (formerly Invitae), Labcorp).